The following is an entry in ClinVar:

ClinVar aggregate classification (germline): Likely benign (1 of 4 stars; one submission).

Allele frequency attached by ClinVar (database versions not stated): ExAC 0.00029; gnomAD exomes 0.00032; gnomAD 0.00088; 1000 Genomes Project 0.00100; 1000 Genomes Project 30x 0.00109.
gnomAD v4.1: 598 of 1,610,716 alleles (0.037%); highest among the groups gnomAD compares: Admixed American, 0.42%; 1 homozygote.

Submission:

CeGaT Center for Human Genetics Tuebingen
Classification: Likely benign. Last evaluated: 2026-06-01. Review status: criteria provided, single submitter. Criteria: CeGaT Center For Human Genetics Tuebingen Variant Classification Criteria Version 2. Collection method: clinical testing. Allele origin: germline. Affected: yes. Observed: 2 variant alleles.
Comment: MUC5B: BP4, BP7

NM_002458.3(MUC5B):c.12483C>T (p.Ala4161=)

Genes: MUC5B (mucin 5B, oligomeric mucus/gel-forming; plus strand), MUC5B-AS1 (MUC5B antisense RNA 1; minus strand). Cytogenetic location: 11p15.5.
Variant type: single nucleotide variant.
Coding change: c.12483C>T on transcript NM_002458.3 (MANE Select); coding-DNA position 12483, C replaced by T.
Protein change: p.Ala4161=; no amino-acid change (alanine 4161 retained).
Molecular consequence: synonymous variant.
Genome position (GRCh38, 1-based): chr11:1,249,363, C>T. VCF-style: chr11-1249363-C-T. GRCh37 (hg19) VCF-style: chr11-1270593-C-T.
Identifiers: ClinVar variation 3025399 (VCV003025399.22), dbSNP rs560797903, ClinGen allele CA5808002.